The following is an entry in ClinVar:

ClinVar aggregate classification (germline): Uncertain significance (1 of 4 stars; one submission).

Submission:

GeneDx
Classification: Uncertain significance. Last evaluated: 2023-06-29. Review status: criteria provided, single submitter. Criteria: GeneDx Variant Classification Process June 2021. Collection method: clinical testing. Allele origin: germline. Affected: yes.
Comment: Not observed at significant frequency in large population cohorts (gnomAD); In silico analysis supports that this missense variant has a deleterious effect on protein structure/function; Has not been previously published as pathogenic or benign to our knowledge

NM_006445.4(PRPF8):c.4970C>T (p.Thr1657Ile)

Gene: PRPF8 (pre-mRNA processing factor 8; minus strand). Cytogenetic location: 17p13.3.
Variant type: single nucleotide variant.
Coding change: c.4970C>T on transcript NM_006445.4 (MANE Select); coding-DNA position 4970, C replaced by T.
Protein change: p.Thr1657Ile; replaces threonine 1657 with isoleucine.
Molecular consequence: missense variant.
Genome position (GRCh38, 1-based): chr17:1,659,525, G>A on the plus strand (C>T on the coding strand, the complement: PRPF8 is on the minus strand). VCF-style: chr17-1659525-G-A. GRCh37 (hg19) VCF-style: chr17-1562819-G-A.
Other names: short protein forms T1657I.
Identifiers: ClinVar variation 3360301 (VCV003360301.1).
Genomic context (GRCh38, chr17:1,659,525, plus strand): 5'-TCAATGTCGTGGGAATCATAGTCCCCCCAGCGCAACTGGATGTCAATCCAGTATTTCTGG[G>A]TGGTGGTGCTGTCCATCACATCCCTGAGGATGAAGAGGGTTCAAGCTTCTAAGAAACCAT-3'
Protein context (NP_006436.3, residues 1647-1667): DSKDVMDSTT[Thr1657Ile]QKYWIDIQLR